The following is an entry in ClinVar:

ClinVar aggregate classification (germline): Uncertain significance (1 of 4 stars; one submission).

gnomAD v4.1: 1 of 1,613,718 alleles (0.000062%); highest among the groups gnomAD compares: Non-Finnish European, 0.000085%; no homozygotes.

Submission:

Labcorp Genetics (formerly Invitae), Labcorp
Classification: Uncertain significance. Last evaluated: 2025-12-08. Review status: criteria provided, single submitter. Criteria: Invitae Variant Classification Sherloc (09022015). Collection method: clinical testing. Allele origin: germline.
Comment: This sequence change replaces lysine, which is basic and polar, with glutamic acid, which is acidic and polar, at codon 782 of the COL9A1 protein (p.Lys782Glu). This variant is not present in population databases (gnomAD no frequency). This variant has not been reported in the literature in individuals affected with COL9A1-related conditions. ClinVar contains an entry for this variant (Variation ID: 3635309). Invitae Evidence Modeling of protein sequence and biophysical properties (such as structural, functional, and spatial information, amino acid conservation, physicochemical variation, residue mobility, and thermodynamic stability) indicates that this missense variant is not expected to disrupt COL9A1 protein function with a negative predictive value of 95%. In summary, the available evidence is currently insufficient to determine the role of this variant in disease. Therefore, it has been classified as a Variant of Uncertain Significance.

NM_001851.6(COL9A1):c.2344A>G (p.Lys782Glu)

Gene: COL9A1 (collagen type IX alpha 1 chain; minus strand). Cytogenetic location: 6q13.
Variant type: single nucleotide variant.
Coding change: c.2344A>G on transcript NM_001851.6 (MANE Select); coding-DNA position 2344, A replaced by G.
Protein change: p.Lys782Glu; replaces lysine 782 with glutamic acid.
Molecular consequence: missense variant. On other transcripts: non-coding transcript variant (1).
Genome position (GRCh38, 1-based): chr6:70,232,742, T>C on the plus strand (A>G on the coding strand, the complement: COL9A1 is on the minus strand). VCF-style: chr6-70232742-T-C. GRCh37 (hg19) VCF-style: chr6-70942445-T-C.
Other names: c.1645A>G, p.Lys549Glu (NM_001377289.1); c.1468A>G, p.Lys490Glu (NM_001377290.1); c.1615A>G, p.Lys539Glu (NM_078485.4); short protein forms K490E, K539E, K549E, K782E.
Identifiers: ClinVar variation 3635309 (VCV003635309.2).